The following is an entry in ClinVar:

NM_001363711.2(DUOX2):c.4558C>T (p.Pro1520Ser)

Gene: DUOX2 (dual oxidase 2; minus strand). Cytogenetic location: 15q21.1.
Variant type: single nucleotide variant.
Coding change: c.4558C>T on transcript NM_001363711.2 (MANE Select); coding-DNA position 4558, C replaced by T.
Protein change: p.Pro1520Ser; replaces proline 1520 with serine.
Molecular consequence: missense variant.
Genome position (GRCh38, 1-based): chr15:45,094,239, G>A on the plus strand (C>T on the coding strand, the complement: DUOX2 is on the minus strand). VCF-style: chr15-45094239-G-A. GRCh37 (hg19) VCF-style: chr15-45386437-G-A.
Other names: c.4558C>T, p.Pro1520Ser (NM_014080.5); short protein forms P1520S.
Identifiers: ClinVar variation 2494441 (VCV002494441.5), dbSNP rs1893837403, ClinGen allele CA392249358.
Genomic context (GRCh38, chr15:45,094,239, plus strand): 5'-GGGCTCGGTCCTGCCTGTTGACGAGCTGACAGGCCTTCTCTACATTCTTGGTCATTCCTG[G>A]AGGGCCGCAGCTGAACACCCCGATCTTGCGCACCTGTCAGGAGATTGGAGAGAGAGAGGG-3'
Protein context (NP_001350640.1, residues 1510-1530): RKIGVFSCGP[Pro1520Ser]GMTKNVEKAC

ClinVar aggregate classification (germline): Uncertain significance. Review status: criteria provided, multiple submitters, no conflicts (2 of 4 stars). 2 submissions from 2 submitters: Uncertain significance (2). Last evaluated 2025-10-14.

Conditions:
Inborn genetic diseases. Identifiers: MedGen C0950123, MeSH D030342.

Allele frequency attached by ClinVar (database versions not stated): gnomAD 0.00001.
gnomAD v4.1: 3 of 1,614,042 alleles (0.00019%); highest among the groups gnomAD compares: Non-Finnish European, 0.00025%; no homozygotes.

Submissions (2):

Labcorp Genetics (formerly Invitae), Labcorp
Classification: Uncertain significance. Last evaluated: 2025-10-14. Review status: criteria provided, single submitter. Criteria: Invitae Variant Classification Sherloc (09022015). Collection method: clinical testing. Allele origin: germline.
Comment: This sequence change replaces proline, which is neutral and non-polar, with serine, which is neutral and polar, at codon 1520 of the DUOX2 protein (p.Pro1520Ser). This variant is not present in population databases (gnomAD no frequency). This variant has not been reported in the literature in individuals affected with DUOX2-related conditions. ClinVar contains an entry for this variant (Variation ID: 2494441). An algorithm developed to predict the effect of missense changes on protein structure and function (PolyPhen-2) suggests that this variant is likely to be disruptive. In summary, the available evidence is currently insufficient to determine the role of this variant in disease. Therefore, it has been classified as a Variant of Uncertain Significance.

Ambry Genetics
Classification: Uncertain significance for Inborn genetic diseases. Last evaluated: 2025-08-22. Review status: criteria provided, single submitter. Criteria: Ambry Variant Classification Scheme 2023. Collection method: clinical testing. Allele origin: germline.